The following is an entry in ClinVar:

NM_014915.3(ANKRD26):c.789C>G (p.Asp263Glu)

Gene: ANKRD26 (ankyrin repeat domain 26; minus strand). Cytogenetic location: 10p12.1.
Variant type: single nucleotide variant.
Coding change: c.789C>G on transcript NM_014915.3 (MANE Select); coding-DNA position 789, C replaced by G.
Protein change: p.Asp263Glu; replaces aspartic acid 263 with glutamic acid.
Molecular consequence: missense variant.
Genome position (GRCh38, 1-based): chr10:27,079,113, G>C on the plus strand (C>G on the coding strand, the complement: ANKRD26 is on the minus strand). VCF-style: chr10-27079113-G-C. GRCh37 (hg19) VCF-style: chr10-27368042-G-C.
Other names: c.789C>G, p.Asp263Glu (NM_001256053.2); short protein forms D263E.
Identifiers: ClinVar variation 299757 (VCV000299757.9), dbSNP rs777702991, ClinGen allele CA5448791.
Genomic context (GRCh38, chr10:27,079,113, plus strand): 5'-GAGTAAGAAAATTAAGTTCATGAGAGAGCACTTTACCTTAGTATCAAAATTGAGGTCTTC[G>C]TCATCTGAGGTAGGCCATGAATCATCAACACCCGGTTTGCCAGAAAGCCTTTAGAACAAA-3'
Protein context (NP_055730.2, residues 253-273): GVDDSWPTSD[Asp263Glu]EDLNFDTKNV

ClinVar aggregate classification (germline): Uncertain significance. Review status: criteria provided, multiple submitters, no conflicts (2 of 4 stars). 4 submissions from 4 submitters: Uncertain significance (4). Last evaluated 2024-12-12.

Conditions:
Inborn genetic diseases. Identifiers: MedGen C0950123, MeSH D030342.
Thrombocytopenia 2 (THC2). Also called: ANKRD26-Related Thrombocytopenia. Identifiers: Orphanet 268322, MedGen C1861185, MONDO:0008555, OMIM 188000.

Allele frequency attached by ClinVar (database versions not stated): TOPMed 0.00004.

Submissions (4):

Ambry Genetics
Classification: Uncertain significance for Inborn genetic diseases. Last evaluated: 2024-12-12. Review status: criteria provided, single submitter. Criteria: Ambry Variant Classification Scheme 2023. Collection method: clinical testing. Allele origin: germline.
Comment: The p.D263E variant (also known as c.789C>G), located in coding exon 7 of the ANKRD26 gene, results from a C to G substitution at nucleotide position 789. The aspartic acid at codon 263 is replaced by glutamic acid, an amino acid with highly similar properties. This amino acid position is conserved. In addition, this alteration is predicted to be tolerated by in silico analysis. Based on the available evidence, the clinical significance of this variant remains unclear.

Fulgent Genetics
Classification: Uncertain significance for Thrombocytopenia 2. Last evaluated: 2024-06-08. Review status: criteria provided, single submitter. Criteria: ACMG Guidelines, 2015. Collection method: clinical testing. Allele origin: germline.

Labcorp Genetics (formerly Invitae), Labcorp
Classification: Uncertain significance. Last evaluated: 2024-06-04. Review status: criteria provided, single submitter. Criteria: Invitae Variant Classification Sherloc (09022015). Collection method: clinical testing. Allele origin: germline.
Comment: This sequence change replaces aspartic acid, which is acidic and polar, with glutamic acid, which is acidic and polar, at codon 263 of the ANKRD26 protein (p.Asp263Glu). This variant is present in population databases (rs777702991, gnomAD 0.004%). This variant has not been reported in the literature in individuals affected with ANKRD26-related conditions. ClinVar contains an entry for this variant (Variation ID: 299757). Algorithms developed to predict the effect of missense changes on protein structure and function output the following: SIFT: "Not Available"; PolyPhen-2: "Benign"; Align-GVGD: "Not Available". The glutamic acid amino acid residue is found in multiple mammalian species, which suggests that this missense change does not adversely affect protein function. In summary, the available evidence is currently insufficient to determine the role of this variant in disease. Therefore, it has been classified as a Variant of Uncertain Significance.

Illumina Laboratory Services, Illumina
Classification: Uncertain significance for Thrombocytopenia 2. Last evaluated: 2018-01-13. Review status: criteria provided, single submitter. Criteria: ICSL Variant Classification Criteria 13 December 2019. Collection method: clinical testing. Allele origin: germline.